The following is an entry in ClinVar:

ClinVar aggregate classification (germline): Conflicting classifications of pathogenicity. Review status: criteria provided, conflicting classifications (1 of 4 stars). 5 submissions from 5 submitters: Uncertain significance (4); Likely benign (1). Last evaluated 2025-09-09.

Conditions:
Hereditary cancer-predisposing syndrome. Also called: Neoplastic Syndromes, Hereditary; Tumor predisposition; Hereditary Cancer Syndrome; Hereditary neoplastic syndrome. Identifiers: Orphanet 140162, MedGen C0027672, MeSH D009386, MONDO:0015356.
Gorlin syndrome. Also called: Nevoid Basal Cell Carcinoma Syndrome; Basal cell nevus syndrome. Identifiers: Orphanet 377, MedGen C0004779, MONDO:0007187.
PTCH1-related disorder. Also called: PTCH1-related disorders; PTCH1-related condition.

Allele frequency attached by ClinVar (database versions not stated): gnomAD 0.00001 and 0.00002; ExAC 0.00002; gnomAD exomes 0.00002; TOPMed 0.00003.
gnomAD v4.1: 38 of 1,614,088 alleles (0.0024%); highest among the groups gnomAD compares: Non-Finnish European, 0.003%; no homozygotes.

Submissions (5):

Labcorp Genetics (formerly Invitae), Labcorp
Classification: Likely benign for Gorlin syndrome. Last evaluated: 2025-09-09. Review status: criteria provided, single submitter. Criteria: Invitae Variant Classification Sherloc (09022015). Collection method: clinical testing. Allele origin: germline.

GeneDx
Classification: Uncertain significance. Last evaluated: 2025-02-23. Review status: criteria provided, single submitter. Criteria: GeneDx Variant Classification Process June 2021. Collection method: clinical testing. Allele origin: germline. Affected: yes.
Comment: Not observed at significant frequency in large population cohorts (gnomAD); In silico analysis indicates that this missense variant does not alter protein structure/function; Reported as a germline variant in an individual with myeloid malignancy (PMID: 31911633); This variant is associated with the following publications: (PMID: 8906794, 31911633)

PreventionGenetics, part of Exact Sciences
Classification: Uncertain significance for PTCH1-related condition. Last evaluated: 2024-10-07. Review status: criteria provided, single submitter. Criteria: ACMG Guidelines, 2015. Collection method: clinical testing. Allele origin: germline.
Comment: The PTCH1 c.2761A>G variant is predicted to result in the amino acid substitution p.Ile921Val. This variant has been reported in the literature in at least one individual with a myeloid malignancy (Li et al. 2020. PubMed ID: 31911633). This variant is reported in 0.0031% of alleles in individuals of European (Non-Finnish) descent in gnomAD. This variant has conflicting interpretations in ClinVar ranging from uncertain significance to likely benign. At this time, the clinical significance of this variant is uncertain due to the absence of conclusive functional and genetic evidence.

Ambry Genetics
Classification: Uncertain significance for Hereditary cancer-predisposing syndrome. Last evaluated: 2024-07-09. Review status: criteria provided, single submitter. Criteria: Ambry Variant Classification Scheme 2023. Collection method: clinical testing. Allele origin: germline.
Comment: The p.I921V variant (also known as c.2761A>G), located in coding exon 17 of the PTCH1 gene, results from an A to G substitution at nucleotide position 2761. The isoleucine at codon 921 is replaced by valine, an amino acid with highly similar properties. This amino acid position is well conserved in available vertebrate species. In addition, the in silico prediction for this alteration is inconclusive. Since supporting evidence is limited at this time, the clinical significance of this alteration remains unclear.

Quest Diagnostics Nichols Institute San Juan Capistrano
Classification: Uncertain significance. Last evaluated: 2023-01-17. Review status: criteria provided, single submitter. Criteria: Quest Diagnostics criteria. Collection method: clinical testing. Allele origin: unknown.
Comment: The frequency of this variant in the general population, 0.000031 (4/129188 chromosomes), is uninformative in assessment of its pathogenicity. In the published literature, the variant has been reported in in a cohort of 690 individuals with different myeloid malignancies (PMID:31911633(2020)), however limited clinical significance was provided. Analysis of this variant using bioinformatics tools for the prediction of the effect of amino acid changes on protein structure and function yielded predictions that this variant is benign. Based on the available information, we are unable to determine the clinical significance of this variant.

Literature cited by the submitters: PubMed 31911633 (cited by Quest Diagnostics Nichols Institute San Juan Capistrano).

NM_000264.5(PTCH1):c.2761A>G (p.Ile921Val)

Gene: PTCH1 (patched 1; minus strand). Cytogenetic location: 9q22.32.
Variant type: single nucleotide variant.
Coding change: c.2761A>G on transcript NM_000264.5 (MANE Select); coding-DNA position 2761, A replaced by G.
Protein change: p.Ile921Val; replaces isoleucine 921 with valine.
Molecular consequence: missense variant. On other transcripts: non-coding transcript variant (1).
Genome position (GRCh38, 1-based): chr9:95,459,726, T>C on the plus strand (A>G on the coding strand, the complement: PTCH1 is on the minus strand). VCF-style: chr9-95459726-T-C. GRCh37 (hg19) VCF-style: chr9-98222008-T-C.
Other names: c.2563A>G, p.Ile855Val (NM_001083602.3); c.2758A>G, p.Ile920Val (NM_001083603.3); c.2308A>G, p.Ile770Val (NM_001083604.3, NM_001083605.3, NM_001083606.3 and 1 more transcripts); c.2605A>G, p.Ile869Val (NM_001354918.2); c.2761A>G (NM_000264.4); short protein forms I921V, I855V, I920V, I869V, I770V.
Identifiers: ClinVar variation 409128 (VCV000409128.22), dbSNP rs760174192, ClinGen allele CA5138329.
Genomic context (GRCh38, chr9:95,459,726, plus strand): 5'-TGTTGGCCTGGGAGGCAGCATACGCGACGGGGTCGTTGCTGACCCAAGCCGTCAGGTAGA[T>C]GTAGAAAGCGCTGGGATTAATGATGCCATCTGCATCCACCAGACGCTGTTTAGTCAACTA-3'
Protein context (NP_000255.2, residues 911-931): DGIINPSAFY[Ile921Val]YLTAWVSNDP